The following is an entry in ClinVar:

ClinVar aggregate classification (germline): Likely pathogenic (1 of 4 stars; one submission).

Conditions:
Early-infantile DEE. Also called: Early infantile epileptic encephalopathy; Ohtahara syndrome; Early infantile epileptic encephalopathy with suppression bursts. Identifiers: Orphanet 1934, MedGen C0393706, MONDO:0800491.

Submission:

Labcorp Genetics (formerly Invitae), Labcorp
Classification: Likely pathogenic for Early-infantile DEE. Last evaluated: 2019-05-21. Review status: criteria provided, single submitter. Criteria: Invitae Variant Classification Sherloc (09022015). Collection method: clinical testing. Allele origin: germline.
Comment: This sequence change replaces serine with tyrosine at codon 374 of the SCN1A protein (p.Ser374Tyr). The serine residue is highly conserved and there is a large physicochemical difference between serine and tyrosine. This variant is not present in population databases (ExAC no frequency). This variant has been observed to be de novo in an individual affected with Dravet syndrome (PMID: 27465585). Algorithms developed to predict the effect of missense changes on protein structure and function (SIFT, PolyPhen-2, Align-GVGD) all suggest that this variant is likely to be disruptive, but these predictions have not been confirmed by published functional studies and their clinical significance is uncertain. In summary, the currently available evidence indicates that the variant is pathogenic, but additional data are needed to prove that conclusively. Therefore, this variant has been classified as Likely Pathogenic.

Literature cited by the submitters: PubMed 27465585.

NM_001165963.4(SCN1A):c.1121C>A (p.Ser374Tyr)

Gene: SCN1A (sodium voltage-gated channel alpha subunit 1; minus strand). Cytogenetic location: 2q24.3.
Variant type: single nucleotide variant.
Coding change: c.1121C>A on transcript NM_001165963.4 (MANE Select); coding-DNA position 1121, C replaced by A.
Protein change: p.Ser374Tyr; replaces serine 374 with tyrosine.
Molecular consequence: missense variant. On other transcripts: 5 prime UTR variant (1), non-coding transcript variant (1).
Genome position (GRCh38, 1-based): chr2:166,047,676, G>T on the plus strand (C>A on the coding strand, the complement: SCN1A is on the minus strand). VCF-style: chr2-166047676-G-T. GRCh37 (hg19) VCF-style: chr2-166904186-G-T.
Other names: c.1121C>A, p.Ser374Tyr (NM_001353958.2, NM_001353960.2, NM_006920.6 and 10 more transcripts); c.-1305C>A (NM_001353961.2); short protein forms S374Y.
Identifiers: ClinVar variation 952448 (VCV000952448.10), dbSNP rs1698007004, ClinGen allele CA349071172.
Genomic context (GRCh38, chr2:166,047,676, plus strand): 5'-TTAGTTCTCACCAGTTGATAAAGATTTTCCCAGAAGTCCTGAGTCATTAGTCGAAACAAG[G>T]ACAAAAAAGCCCAACTGAAGGTATCAAAGCTTGTGTAGCCATAATTGGGATTTCTACCAG-3'
Protein context (NP_001159435.1, residues 364-384): SFDTFSWAFL[Ser374Tyr]LFRLMTQDFW